The following is an entry in ClinVar:

ClinVar aggregate classification (germline): Likely benign. Review status: criteria provided, multiple submitters, no conflicts (2 of 4 stars). 2 submissions from 2 submitters: Likely benign (2). Last evaluated 2025-07-30.

Submissions (2):

Mayo Clinic Laboratories, Mayo Clinic
Classification: Likely benign. Last evaluated: 2025-07-30. Review status: criteria provided, single submitter. Criteria: ACMG Guidelines, 2015. Collection method: clinical testing. Allele origin: germline. Observed: 1 variant allele.
Comment: BS1, BP4, BP7

Blueprint Genetics
Classification: Likely benign. Last evaluated: 2024-11-12. Review status: criteria provided, single submitter. Criteria: ACMG Guidelines, 2015. Collection method: clinical testing. Allele origin: germline.

NM_000265.7(NCF1):c.480G>A (p.Thr160=)

Genes: NCF1 (neutrophil cytosolic factor 1; plus strand), LOC106029312 (Williams-Beuren syndrome medial block B recombination region; plus strand). Cytogenetic location: 7q11.23.
Variant type: single nucleotide variant.
Coding change: c.480G>A on transcript NM_000265.7 (MANE Select); coding-DNA position 480, G replaced by A.
Protein change: p.Thr160=; no amino-acid change (threonine 160 retained).
Molecular consequence: synonymous variant.
Genome position (GRCh38, 1-based): chr7:74,782,967, G>A. VCF-style: chr7-74782967-G-A. GRCh37 (hg19) VCF-style: chr7-74197310-G-A.
Other names: p.Thr160=.
Identifiers: ClinVar variation 4683276 (VCV004683276.2).